The following is an entry in ClinVar:

ClinVar aggregate classification (germline): Uncertain significance (1 of 4 stars; one submission).

Allele frequency attached by ClinVar (database versions not stated): gnomAD exomes 0.00001; TOPMed 0.00001; ExAC 0.00003.

Submission:

Labcorp Genetics (formerly Invitae), Labcorp
Classification: Uncertain significance. Last evaluated: 2022-01-02. Review status: criteria provided, single submitter. Criteria: Invitae Variant Classification Sherloc (09022015). Collection method: clinical testing. Allele origin: germline.
Comment: In summary, the available evidence is currently insufficient to determine the role of this variant in disease. Therefore, it has been classified as a Variant of Uncertain Significance. Algorithms developed to predict the effect of sequence changes on RNA splicing suggest that this variant may create or strengthen a splice site. This variant has not been reported in the literature in individuals affected with DOCK6-related conditions. This variant is present in population databases (rs753815327, gnomAD 0.003%). This sequence change falls in intron 42 of the DOCK6 gene. It does not directly change the encoded amino acid sequence of the DOCK6 protein.

NM_020812.4(DOCK6):c.5361+16T>A

Gene: DOCK6 (dedicator of cytokinesis 6; minus strand). Cytogenetic location: 19p13.2.
Variant type: single nucleotide variant.
Coding change: c.5361+16T>A on transcript NM_020812.4 (MANE Select); 16 bases into the intron after coding-DNA position 5361, T replaced by A.
Molecular consequence: intron variant.
Genome position (GRCh38, 1-based): chr19:11,202,568, A>T on the plus strand (T>A on the coding strand, the complement: DOCK6 is on the minus strand). VCF-style: chr19-11202568-A-T. GRCh37 (hg19) VCF-style: chr19-11313244-A-T.
Other names: c.5466+16T>A (NM_001367830.1).
Identifiers: ClinVar variation 2070641 (VCV002070641.4), dbSNP rs753815327, ClinGen allele CA9206516.